The following is an entry in ClinVar:

ClinVar aggregate classification (germline): Uncertain significance (1 of 4 stars; one submission).

Conditions:
Hereditary cancer-predisposing syndrome. Also called: Hereditary Cancer Syndrome; Hereditary neoplastic syndrome; Neoplastic Syndromes, Hereditary; Tumor predisposition. Identifiers: Orphanet 140162, MedGen C0027672, MeSH D009386, MONDO:0015356.

Submission:

Ambry Genetics
Classification: Uncertain significance for Hereditary cancer-predisposing syndrome. Last evaluated: 2021-08-13. Review status: criteria provided, single submitter. Criteria: Ambry Variant Classification Scheme 2023. Collection method: clinical testing. Allele origin: germline.
Comment: The p.A447T variant (also known as c.1339G>A), located in coding exon 4 of the PALB2 gene, results from a G to A substitution at nucleotide position 1339. The alanine at codon 447 is replaced by threonine, an amino acid with similar properties. This amino acid position is poorly conserved in available vertebrate species. In addition, this alteration is predicted to be tolerated by in silico analysis. Since supporting evidence is limited at this time, the clinical significance of this alteration remains unclear.

NM_024675.4(PALB2):c.1339G>A (p.Ala447Thr)

Gene: PALB2 (partner and localizer of BRCA2; minus strand). Cytogenetic location: 16p12.2.
Variant type: single nucleotide variant.
Coding change: c.1339G>A on transcript NM_024675.4 (MANE Select); coding-DNA position 1339, G replaced by A.
Protein change: p.Ala447Thr; replaces alanine 447 with threonine.
Molecular consequence: missense variant.
Genome position (GRCh38, 1-based): chr16:23,635,207, C>T on the plus strand (G>A on the coding strand, the complement: PALB2 is on the minus strand). VCF-style: chr16-23635207-C-T. GRCh37 (hg19) VCF-style: chr16-23646528-C-T.
Other names: c.1279G>A, p.Ala427Thr (NM_001407296.1); c.1339G>A, p.Ala447Thr (NM_001407297.1, NM_001407298.1, NM_001407299.1 and 3 more transcripts); c.454G>A, p.Ala152Thr (NM_001407304.1, NM_001407305.1, NM_001407306.1 and 5 more transcripts); short protein forms A152T, A427T, A447T.
Identifiers: ClinVar variation 1770306 (VCV001770306.2), dbSNP rs2142418942, ClinGen allele CA395132241.
Genomic context (GRCh38, chr16:23,635,207, plus strand): 5'-CAGACATCCTAATTTCACTTTGGTCAGTTTCCTCATTGGAAAGGTTTAAATTTTTACTTG[C>T]ATCCTTATTTTTATTTTTAAACCCTTTTTTCTTGACATCCAAATGACTCTGAATGACAGC-3'
Protein context (NP_078951.2, residues 437-457): KKGFKNKNKD[Ala447Thr]SKNLNLSNEE